The following is an entry in ClinVar:

NM_001379451.1(BCORL1):c.3818G>A (p.Arg1273Gln)

Gene: BCORL1 (BCL6 corepressor like 1; plus strand). Cytogenetic location: Xq26.1.
Variant type: single nucleotide variant.
Coding change: c.3818G>A on transcript NM_001379451.1 (MANE Select); coding-DNA position 3818, G replaced by A.
Protein change: p.Arg1273Gln; replaces arginine 1273 with glutamine.
Molecular consequence: missense variant.
Genome position (GRCh38, 1-based): chrX:130,025,119, G>A. VCF-style: chrX-130025119-G-A. GRCh37 (hg19) VCF-style: chrX-129159094-G-A.
Other names: c.3818G>A, p.Arg1273Gln (NM_001184772.3, NM_001379450.1, NM_021946.5); short protein forms R1273Q.
Identifiers: ClinVar variation 3047289 (VCV003047289.2), dbSNP rs184232395, ClinGen allele CA10514593.

ClinVar aggregate classification (germline): Likely benign (0 of 4 stars; one submission).

Conditions:
BCORL1-related disorder. Also called: BCORL1-related condition.

Allele frequency attached by ClinVar (database versions not stated): ExAC 0.00017; gnomAD 0.00026; TOPMed 0.00033; gnomAD exomes 0.00036; 1000 Genomes Project 30x 0.00042; 1000 Genomes Project 0.00053.
gnomAD v4.1: 425 of 1,210,091 alleles (0.035%); highest among the groups gnomAD compares: African/African-American, 0.045%; no homozygotes.

Submission:

PreventionGenetics, part of Exact Sciences
Classification: Likely benign for BCORL1-related condition. Last evaluated: 2023-09-27. Review status: no assertion criteria provided. Collection method: clinical testing. Allele origin: germline.
Comment: This variant is classified as likely benign based on ACMG/AMP sequence variant interpretation guidelines (Richards et al. 2015 PMID: 25741868, with internal and published modifications).